The following is an entry in ClinVar:

NM_017635.5(KMT5B):c.2489C>T (p.Ser830Phe)

Gene: KMT5B (lysine methyltransferase 5B; minus strand). Cytogenetic location: 11q13.2.
Variant type: single nucleotide variant.
Coding change: c.2489C>T on transcript NM_017635.5 (MANE Select); coding-DNA position 2489, C replaced by T.
Protein change: p.Ser830Phe; replaces serine 830 with phenylalanine.
Molecular consequence: missense variant.
Genome position (GRCh38, 1-based): chr11:68,157,857, G>A on the plus strand (C>T on the coding strand, the complement: KMT5B is on the minus strand). VCF-style: chr11-68157857-G-A. GRCh37 (hg19) VCF-style: chr11-67925324-G-A.
Other names: c.1973C>T, p.Ser658Phe (NM_001300907.1, NM_001369428.1, NM_001369429.1 and 4 more transcripts); c.1769C>T, p.Ser590Phe (NM_001300908.2); c.2489C>T, p.Ser830Phe (NM_001369426.1); short protein forms S590F, S658F, S830F.
Identifiers: ClinVar variation 2662558 (VCV002662558.1), dbSNP rs1859411775, ClinGen allele CA381586731.
Genomic context (GRCh38, chr11:68,157,857, plus strand): 5'-ATAAAATCGTCTTCAAAGTCATCATCATAGTCATCCTCCTCTTCATCGCCCTCAGAAGAG[G>A]AGGAATCATCTGTACTTTCTTCCTCATACTGACTATAGTCATCCACCTCCATTCGAGACT-3'
Protein context (NP_060105.3, residues 820-840): QYEEESTDDS[Ser830Phe]SSEGDEEEDD

ClinVar aggregate classification (germline): Uncertain significance (1 of 4 stars; one submission).

Allele frequency attached by ClinVar (database versions not stated): gnomAD exomes below 0.00001.
gnomAD v4.1: 2 of 1,614,064 alleles (0.00012%); highest among the groups gnomAD compares: Non-Finnish European, 0.00017%; no homozygotes.

Submission:

GeneDx
Classification: Uncertain significance. Last evaluated: 2023-04-12. Review status: criteria provided, single submitter. Criteria: GeneDx Variant Classification Process June 2021. Collection method: clinical testing. Allele origin: germline. Affected: yes.
Comment: Not observed at significant frequency in large population cohorts (gnomAD); In silico analysis supports that this missense variant does not alter protein structure/function; Has not been previously published as pathogenic or benign to our knowledge